The following is an entry in ClinVar:

NM_001555.5(IGSF1):c.2343C>G (p.Phe781Leu)

Gene: IGSF1 (immunoglobulin superfamily member 1; minus strand). Cytogenetic location: Xq26.1.
Variant type: single nucleotide variant.
Coding change: c.2343C>G on transcript NM_001555.5 (MANE Select); coding-DNA position 2343, C replaced by G.
Protein change: p.Phe781Leu; replaces phenylalanine 781 with leucine.
Molecular consequence: missense variant.
Genome position (GRCh38, 1-based): chrX:131,277,204, G>C on the plus strand (C>G on the coding strand, the complement: IGSF1 is on the minus strand). VCF-style: chrX-131277204-G-C. GRCh37 (hg19) VCF-style: chrX-130411178-G-C.
Other names: c.2358C>G, p.Phe786Leu (NM_001170961.2); c.2316C>G, p.Phe772Leu (NM_001170962.2); short protein forms F772L, F781L, F786L.
Identifiers: ClinVar variation 1693431 (VCV001693431.2), dbSNP rs2124091516, ClinGen allele CA414562778.
Genomic context (GRCh38, chrX:131,277,204, plus strand): 5'-GGTGGAGCAATTGAAAGTCACTCGGGCACCAGGGGTGACCACAGGGCTGGCCCATGTCTT[G>C]AAGAAGGGCTTAGGGTACATTTCTAGAAGGCAAAAAACAAAAACAAAAACAAAAAACAAA-3'
Protein context (NP_001546.2, residues 771-791): VIKEMYPKPF[Phe781Leu]KTWASPVVTP

ClinVar aggregate classification (germline): Uncertain significance (1 of 4 stars; one submission).

gnomAD v4.1: 1 of 1,207,076 alleles (0.000083%); no homozygotes.

Submission:

GeneDx
Classification: Uncertain significance. Last evaluated: 2022-01-04. Review status: criteria provided, single submitter. Criteria: GeneDx Variant Classification Process June 2021. Collection method: clinical testing. Allele origin: germline. Affected: yes.
Comment: Not observed at significant frequency in large population cohorts (gnomAD); In silico analysis supports that this missense variant does not alter protein structure/function; Has not been previously published as pathogenic or benign to our knowledge